The following is an entry in ClinVar:

NM_000214.3(JAG1):c.2344+15C>G

Gene: JAG1 (jagged canonical Notch ligand 1; minus strand). Cytogenetic location: 20p12.2.
Variant type: single nucleotide variant.
Coding change: c.2344+15C>G on transcript NM_000214.3 (MANE Select); 15 bases into the intron after coding-DNA position 2344, C replaced by G.
Molecular consequence: intron variant.
Genome position (GRCh38, 1-based): chr20:10,644,848, G>C on the plus strand (C>G on the coding strand, the complement: JAG1 is on the minus strand). VCF-style: chr20-10644848-G-C. GRCh37 (hg19) VCF-style: chr20-10625496-G-C.
Other names: p.?; c.2344+15C>G (LRG_1191t1).
Identifiers: ClinVar variation 337750 (VCV000337750.16), dbSNP rs200139177, ClinGen allele CA9764549.

ClinVar aggregate classification (germline): Benign/Likely benign. Review status: criteria provided, multiple submitters, no conflicts (2 of 4 stars). 6 submissions from 6 submitters: Benign (3); Likely benign (3). Last evaluated 2026-01-07.

Conditions:
Isolated Nonsyndromic Congenital Heart Disease.
Alagille syndrome due to a JAG1 point mutation. Also called: Alagille Syndrome 1; JAG1-Related Alagille Syndrome; HEPATIC DUCTULAR HYPOPLASIA, SYNDROMATIC. Identifiers: Orphanet 261619, Orphanet 52, MedGen C1956125, MONDO:0016862, OMIM 118450.

Allele frequency attached by ClinVar (database versions not stated): gnomAD 0.00029; TOPMed 0.00040; 1000 Genomes Project 30x 0.00062; 1000 Genomes Project 0.00080.
gnomAD v4.1: 329 of 1,576,636 alleles (0.021%); highest among the groups gnomAD compares: Admixed American, 0.46%; 2 homozygotes.

Submissions (6):

Labcorp Genetics (formerly Invitae), Labcorp
Classification: Benign for Alagille syndrome due to a JAG1 point mutation. Last evaluated: 2026-01-07. Review status: criteria provided, single submitter. Criteria: Invitae Variant Classification Sherloc (09022015). Collection method: clinical testing. Allele origin: germline.

Mayo Clinic Laboratories, Mayo Clinic
Classification: Likely benign. Last evaluated: 2024-12-24. Review status: criteria provided, single submitter. Criteria: ACMG Guidelines, 2015. Collection method: clinical testing. Allele origin: germline. Observed: 1 variant allele.
Comment: BA1, BP4, BP7

Women's Health and Genetics/Laboratory Corporation of America, LabCorp
Classification: Benign. Last evaluated: 2024-06-17. Review status: criteria provided, single submitter. Criteria: LabCorp Variant Classification Summary - May 2015. Collection method: clinical testing. Allele origin: germline.

Blueprint Genetics
Classification: Likely benign. Last evaluated: 2024-05-23. Review status: criteria provided, single submitter. Criteria: ACMG Guidelines, 2015. Collection method: clinical testing. Allele origin: germline.

Illumina Laboratory Services, Illumina
Classification: Benign for Isolated Nonsyndromic Congenital Heart Disease. Last evaluated: 2018-01-13. Review status: criteria provided, single submitter. Criteria: ICSL Variant Classification Criteria 13 December 2019. Collection method: clinical testing. Allele origin: germline.
Comment: This variant was observed in the ICSL laboratory as part of a predisposition screen in an ostensibly healthy population. It had not been previously curated by ICSL or reported in the Human Gene Mutation Database (HGMD: prior to June 1st, 2018), and was therefore a candidate for classification through an automated scoring system. Utilizing variant allele frequency, disease prevalence and penetrance estimates, and inheritance mode, an automated score was calculated to assess if this variant is too frequent to cause the disease. Based on the score and internal cut-off values, a variant classified as benign is not then subjected to further curation. The score for this variant resulted in a classification of benign for this disease.

GeneDx
Classification: Likely benign. Last evaluated: 2016-10-03. Review status: criteria provided, single submitter. Criteria: GeneDx Variant Classification (06012015). Collection method: clinical testing. Allele origin: germline. Affected: yes.
Comment: This variant is considered likely benign or benign based on one or more of the following criteria: it is a conservative change, it occurs at a poorly conserved position in the protein, it is predicted to be benign by multiple in silico algorithms, and/or has population frequency not consistent with disease.